The following is an entry in ClinVar:

ClinVar aggregate classification (germline): Uncertain significance (1 of 4 stars; one submission).

Conditions:
Immunodeficiency 39 (IMD39). Identifiers: Orphanet 574918, MedGen C4225358, MONDO:0014597, OMIM 616345.

Allele frequency attached by ClinVar (database versions not stated): gnomAD exomes below 0.00001; TOPMed below 0.00001.
gnomAD v4.1: 1 of 1,598,222 alleles (0.000063%); highest among the groups gnomAD compares: Non-Finnish European, 0.000085%; no homozygotes.

Submission:

Labcorp Genetics (formerly Invitae), Labcorp
Classification: Uncertain significance for Immunodeficiency 39. Last evaluated: 2023-10-17. Review status: criteria provided, single submitter. Criteria: Invitae Variant Classification Sherloc (09022015). Collection method: clinical testing. Allele origin: germline.
Comment: This sequence change replaces glutamic acid, which is acidic and polar, with lysine, which is basic and polar, at codon 67 of the IRF7 protein (p.Glu67Lys). This variant is not present in population databases (gnomAD no frequency). This variant has not been reported in the literature in individuals affected with IRF7-related conditions. Advanced modeling of protein sequence and biophysical properties (such as structural, functional, and spatial information, amino acid conservation, physicochemical variation, residue mobility, and thermodynamic stability) performed at Invitae indicates that this missense variant is expected to disrupt IRF7 protein function. In summary, the available evidence is currently insufficient to determine the role of this variant in disease. Therefore, it has been classified as a Variant of Uncertain Significance.

NM_001572.5(IRF7):c.160G>A (p.Glu54Lys)

Gene: IRF7 (interferon regulatory factor 7; minus strand). Cytogenetic location: 11p15.5.
Variant type: single nucleotide variant.
Coding change: c.160G>A on transcript NM_001572.5 (MANE Select); coding-DNA position 160, G replaced by A.
Protein change: p.Glu54Lys; replaces glutamic acid 54 with lysine.
Molecular consequence: missense variant.
Genome position (GRCh38, 1-based): chr11:615,120, C>T on the plus strand (G>A on the coding strand, the complement: IRF7 is on the minus strand). VCF-style: chr11-615120-C-T. GRCh37 (hg19) VCF-style: chr11-615120-C-T.
Other names: c.160G>A, p.Glu54Lys (NM_004029.4); c.199G>A, p.Glu67Lys (NM_004031.4); short protein forms E67K, E54K.
Identifiers: ClinVar variation 2875444 (VCV002875444.3), dbSNP rs1856761964, ClinGen allele CA378983589.